The following is an entry in ClinVar:

NM_003060.4(SLC22A5):c.589G>T (p.Val197Phe)

Gene: SLC22A5 (solute carrier family 22 member 5; plus strand). Cytogenetic location: 5q31.1.
Variant type: single nucleotide variant.
Coding change: c.589G>T on transcript NM_003060.4 (MANE Select); coding-DNA position 589, G replaced by T.
Protein change: p.Val197Phe; replaces valine 197 with phenylalanine.
Molecular consequence: missense variant.
Genome position (GRCh38, 1-based): chr5:132,384,238, G>T. VCF-style: chr5-132384238-G-T. GRCh37 (hg19) VCF-style: chr5-131719930-G-T.
Other names: c.661G>T, p.Val221Phe (NM_001308122.2); short protein forms V197F, V221F.
Identifiers: ClinVar variation 2171937 (VCV002171937.1), dbSNP rs2532117473, ClinGen allele CA360804800.

ClinVar aggregate classification (germline): Uncertain significance (1 of 4 stars; one submission).

Conditions:
Renal carnitine transport defect (CDSP). Also called: Systemic primary carnitine deficiency; CARNITINE DEFICIENCY, SYSTEMIC, DUE TO DEFECT IN RENAL REABSORPTION OF CARNITINE; CARNITINE TRANSPORTER, PLASMA-MEMBRANE, DEFICIENCY OF; CARNITINE UPTAKE DEFECT; Primary carnitine deficiency; Carnitine Deficiency, Systemic. Identifiers: Orphanet 158, MedGen C0342788, MONDO:0008919, OMIM 212140.

Submission:

Labcorp Genetics (formerly Invitae), Labcorp
Classification: Uncertain significance for Renal carnitine transport defect. Last evaluated: 2021-08-02. Review status: criteria provided, single submitter. Criteria: Invitae Variant Classification Sherloc (09022015). Collection method: clinical testing. Allele origin: germline.
Comment: This sequence change replaces valine with phenylalanine at codon 197 of the SLC22A5 protein (p.Val197Phe). The valine residue is weakly conserved and there is a small physicochemical difference between valine and phenylalanine. This variant is not present in population databases (ExAC no frequency). This variant has not been reported in the literature in individuals affected with SLC22A5-related conditions. Advanced modeling of protein sequence and biophysical properties (such as structural, functional, and spatial information, amino acid conservation, physicochemical variation, residue mobility, and thermodynamic stability) performed at Invitae indicates that this missense variant is not expected to disrupt SLC22A5 protein function. In summary, the available evidence is currently insufficient to determine the role of this variant in disease. Therefore, it has been classified as a Variant of Uncertain Significance.